The following is an entry in ClinVar:

ClinVar aggregate classification (germline): Uncertain significance (1 of 4 stars; one submission).

Allele frequency attached by ClinVar (database versions not stated): gnomAD 0.00001; TOPMed 0.00007; ExAC 0.00008.
gnomAD v4.1: 28 of 1,502,496 alleles (0.0019%); highest among the groups gnomAD compares: Admixed American, 0.06%; no homozygotes.

Submission:

Labcorp Genetics (formerly Invitae), Labcorp
Classification: Uncertain significance. Last evaluated: 2022-02-02. Review status: criteria provided, single submitter. Criteria: Invitae Variant Classification Sherloc (09022015). Collection method: clinical testing. Allele origin: germline.
Comment: This sequence change replaces proline, which is neutral and non-polar, with arginine, which is basic and polar, at codon 702 of the TONSL protein (p.Pro702Arg). This variant is present in population databases (rs764563560, gnomAD 0.09%). This variant has not been reported in the literature in individuals affected with TONSL-related conditions. Algorithms developed to predict the effect of missense changes on protein structure and function are either unavailable or do not agree on the potential impact of this missense change (SIFT: "Deleterious"; PolyPhen-2: "Benign"; Align-GVGD: "Class C0"). In summary, the available evidence is currently insufficient to determine the role of this variant in disease. Therefore, it has been classified as a Variant of Uncertain Significance.

NM_013432.5(TONSL):c.2105C>G (p.Pro702Arg)

Genes: TONSL (tonsoku like, DNA repair protein; minus strand), TONSL-AS1 (TONSL antisense RNA 1; plus strand). Cytogenetic location: 8q24.3.
Variant type: single nucleotide variant.
Coding change: c.2105C>G on transcript NM_013432.5 (MANE Select); coding-DNA position 2105, C replaced by G.
Protein change: p.Pro702Arg; replaces proline 702 with arginine.
Molecular consequence: missense variant.
Genome position (GRCh38, 1-based): chr8:144,436,328, G>C on the plus strand (C>G on the coding strand, the complement: TONSL is on the minus strand). VCF-style: chr8-144436328-G-C. GRCh37 (hg19) VCF-style: chr8-145661711-G-C.
Other names: short protein forms P702R.
Identifiers: ClinVar variation 1377491 (VCV001377491.5), dbSNP rs764563560, ClinGen allele CA4942915.